The following is an entry in ClinVar:

ClinVar aggregate classification (germline): Uncertain significance. Review status: criteria provided, multiple submitters, no conflicts (2 of 4 stars). 2 submissions from 2 submitters: Uncertain significance (2). Last evaluated 2020-09-09.

Conditions:
Neurodevelopmental disorder with or without anomalies of the brain, eye, or heart (NEDBEH). Identifiers: Orphanet 494344, MedGen C5567477, MONDO:0014857, OMIM 616975.

gnomAD v4.1: 1 of 1,607,760 alleles (0.000062%); highest among the groups gnomAD compares: Middle Eastern, 0.017%; no homozygotes.

Submissions (2):

Baylor Genetics
Classification: Uncertain significance for Neurodevelopmental disorder with or without anomalies of the brain, eye, or heart. Last evaluated: 2020-09-09. Review status: criteria provided, single submitter. Criteria: ACMG Guidelines, 2015. Collection method: clinical testing. Allele origin: unknown. Affected: yes.
Comment: This variant was determined to be of uncertain significance according to ACMG Guidelines, 2015 [PMID:25741868].

GeneDx
Classification: Uncertain significance. Last evaluated: 2019-09-13. Review status: criteria provided, single submitter. Criteria: GeneDx Variant Classification Process June 2021. Collection method: clinical testing. Allele origin: germline. Affected: yes.
Comment: Not observed in large population cohorts (Lek et al., 2016); In silico analysis, which includes protein predictors and evolutionary conservation, supports that this variant does not alter protein structure/function; Has not been previously published as pathogenic or benign to our knowledge

NM_001042681.2(RERE):c.3803C>A (p.Thr1268Asn)

Gene: RERE (arginine-glutamic acid dipeptide repeats; minus strand). Cytogenetic location: 1p36.23.
Variant type: single nucleotide variant.
Coding change: c.3803C>A on transcript NM_001042681.2 (MANE Select); coding-DNA position 3803, C replaced by A.
Protein change: p.Thr1268Asn; replaces threonine 1268 with asparagine.
Molecular consequence: missense variant.
Genome position (GRCh38, 1-based): chr1:8,358,732, G>T on the plus strand (C>A on the coding strand, the complement: RERE is on the minus strand). VCF-style: chr1-8358732-G-T. GRCh37 (hg19) VCF-style: chr1-8418792-G-T.
Other names: c.2141C>A, p.Thr714Asn (NM_001042682.2); c.3803C>A, p.Thr1268Asn (NM_012102.4); short protein forms T714N, T1268N.
Identifiers: ClinVar variation 1031183 (VCV001031183.3), dbSNP rs1641415262, ClinGen allele CA338169817.